The following is an entry in ClinVar:

NM_006904.7(PRKDC):c.5081C>G (p.Thr1694Ser)

Gene: PRKDC (protein kinase, DNA-activated, catalytic subunit; minus strand). Cytogenetic location: 8q11.21.
Variant type: single nucleotide variant.
Coding change: c.5081C>G on transcript NM_006904.7 (MANE Select); coding-DNA position 5081, C replaced by G.
Protein change: p.Thr1694Ser; replaces threonine 1694 with serine.
Molecular consequence: missense variant.
Genome position (GRCh38, 1-based): chr8:47,879,645, G>C on the plus strand (C>G on the coding strand, the complement: PRKDC is on the minus strand). VCF-style: chr8-47879645-G-C. GRCh37 (hg19) VCF-style: chr8-48792206-G-C.
Other names: c.5081C>G, p.Thr1694Ser (NM_001081640.2); short protein forms T1694S.
Identifiers: ClinVar variation 966549 (VCV000966549.10), dbSNP rs754361620, ClinGen allele CA4740714.

ClinVar aggregate classification (germline): Uncertain significance. Review status: criteria provided, multiple submitters, no conflicts (2 of 4 stars). 3 submissions from 3 submitters: Uncertain significance (2). 1 of the submissions does not count toward it. Last evaluated 2024-07-30.

Conditions:
Severe combined immunodeficiency due to DNA-PKcs deficiency. Also called: IMMUNODEFICIENCY 26 WITH NEUROLOGIC ABNORMALITIES; Immunodeficiency 26 with or without neurologic abnormalities. Identifiers: Orphanet 317425, MedGen C4014833, MONDO:0014423, OMIM 615966.
PRKDC-related disorder. Also called: PRKDC-related condition.

Allele frequency attached by ClinVar (database versions not stated): gnomAD 0.00012; TOPMed 0.00014; 1000 Genomes Project 30x 0.00031.
gnomAD v4.1: 24 of 1,579,622 alleles (0.0015%); highest among the groups gnomAD compares: African/African-American, 0.026%; no homozygotes.

Submissions (3):

Women's Health and Genetics/Laboratory Corporation of America, LabCorp
Classification: Uncertain significance. Last evaluated: 2024-07-30. Review status: criteria provided, single submitter. Criteria: LabCorp Variant Classification Summary - May 2015. Collection method: clinical testing. Allele origin: germline.
Comment: Variant summary: PRKDC c.5078C>G/p.Thr1693Ser (also known as c.5081C>G/p.Thr1694Ser in RefSeq) results in a conservative amino acid change located in the DNA-dependent protein kinase catalytic subunit, CC1/2 (IPR046803) of the encoded protein sequence. Four of five in-silico tools predict a benign effect of the variant on protein function. The variant allele was found at a frequency of 9.8e-06 in 203542 control chromosomes. The available data on variant occurrences in the general population are insufficient to allow any conclusion about variant significance. To our knowledge, no occurrence of c.5078C>G in individuals affected with Severe Combined Immunodeficiency and no experimental evidence demonstrating its impact on protein function have been reported. ClinVar contains an entry for this variant (Variation ID: 966549). Based on the evidence outlined above, the variant was classified as uncertain significance.

Labcorp Genetics (formerly Invitae), Labcorp
Classification: Uncertain significance for Severe combined immunodeficiency due to DNA-PKcs deficiency. Last evaluated: 2024-07-15. Review status: criteria provided, single submitter. Criteria: Invitae Variant Classification Sherloc (09022015). Collection method: clinical testing. Allele origin: germline.
Comment: This sequence change replaces threonine, which is neutral and polar, with serine, which is neutral and polar, at codon 1694 of the PRKDC protein (p.Thr1694Ser). This variant is present in population databases (rs754361620, gnomAD 0.02%). This variant has not been reported in the literature in individuals affected with PRKDC-related conditions. ClinVar contains an entry for this variant (Variation ID: 966549). Advanced modeling of protein sequence and biophysical properties (such as structural, functional, and spatial information, amino acid conservation, physicochemical variation, residue mobility, and thermodynamic stability) performed at Invitae indicates that this missense variant is not expected to disrupt PRKDC protein function with a negative predictive value of 80%. In summary, the available evidence is currently insufficient to determine the role of this variant in disease. Therefore, it has been classified as a Variant of Uncertain Significance.

PreventionGenetics, part of Exact Sciences
Classification: Uncertain significance for PRKDC-related condition. Last evaluated: 2024-02-06. Review status: no assertion criteria provided. Collection method: clinical testing. Allele origin: germline. Not counted in ClinVar's aggregate classification.
Comment: The PRKDC c.5081C>G variant is predicted to result in the amino acid substitution p.Thr1694Ser. To our knowledge, this variant has not been reported in the literature. This variant is reported in 0.016% of alleles in individuals of African descent in gnomAD. At this time, the clinical significance of this variant is uncertain due to the absence of conclusive functional and genetic evidence.